The following is an entry in ClinVar:

ClinVar aggregate classification (germline): Uncertain significance (1 of 4 stars; one submission).

Conditions:
Baller-Gerold syndrome (BGS). Also called: CRANIOSYNOSTOSIS WITH RADIAL DEFECTS. Identifiers: Orphanet 1225, MedGen C0265308, MONDO:0009039, OMIM 218600.

Submission:

Labcorp Genetics (formerly Invitae), Labcorp
Classification: Uncertain significance for Baller-Gerold syndrome. Last evaluated: 2024-09-14. Review status: criteria provided, single submitter. Criteria: Invitae Variant Classification Sherloc (09022015). Collection method: clinical testing. Allele origin: germline.
Comment: This sequence change replaces leucine, which is neutral and non-polar, with phenylalanine, which is neutral and non-polar, at codon 913 of the RECQL4 protein (p.Leu913Phe). This variant is not present in population databases (gnomAD no frequency). This variant has not been reported in the literature in individuals affected with RECQL4-related conditions. Invitae Evidence Modeling of protein sequence and biophysical properties (such as structural, functional, and spatial information, amino acid conservation, physicochemical variation, residue mobility, and thermodynamic stability) indicates that this missense variant is expected to disrupt RECQL4 protein function with a positive predictive value of 80%. In summary, the available evidence is currently insufficient to determine the role of this variant in disease. Therefore, it has been classified as a Variant of Uncertain Significance.

NM_004260.4(RECQL4):c.2739G>C (p.Leu913Phe)

Gene: RECQL4 (RecQ like helicase 4; minus strand). Cytogenetic location: 8q24.3.
Variant type: single nucleotide variant.
Coding change: c.2739G>C on transcript NM_004260.4 (MANE Select); coding-DNA position 2739, G replaced by C.
Protein change: p.Leu913Phe; replaces leucine 913 with phenylalanine.
Molecular consequence: missense variant. On other transcripts: non-coding transcript variant (3).
Genome position (GRCh38, 1-based): chr8:144,512,863, C>G on the plus strand (G>C on the coding strand, the complement: RECQL4 is on the minus strand). VCF-style: chr8-144512863-C-G. GRCh37 (hg19) VCF-style: chr8-145738246-C-G.
Other names: c.2445G>C, p.Leu815Phe (NM_001413017.1); c.2541G>C, p.Leu847Phe (NM_001413018.1); c.2739G>C, p.Leu913Phe (NM_001413019.1, NM_001413036.1); c.2643G>C, p.Leu881Phe (NM_001413020.1); c.1668G>C, p.Leu556Phe (NM_001413021.1, NM_001413022.1, NM_001413023.1 and 5 more transcripts); c.2610G>C, p.Leu870Phe (NM_001413025.1); c.1602G>C, p.Leu534Phe (NM_001413027.1, NM_001413030.1, NM_001413032.1 and 1 more transcripts); c.2388G>C, p.Leu796Phe (NM_001413029.1); and 6 more; short protein forms L534F, L869F, L913F, L512F, L796F, L847F, L870F, L424F.
Identifiers: ClinVar variation 3666973 (VCV003666973.2).